The following is an entry in ClinVar:

NM_007272.3(CTRC):c.625A>T (p.Ile209Phe)

Gene: CTRC (chymotrypsin C; plus strand). Cytogenetic location: 1p36.21.
Variant type: single nucleotide variant.
Coding change: c.625A>T on transcript NM_007272.3 (MANE Select); coding-DNA position 625, A replaced by T.
Protein change: p.Ile209Phe; replaces isoleucine 209 with phenylalanine.
Molecular consequence: missense variant.
Genome position (GRCh38, 1-based): chr1:15,444,737, A>T. VCF-style: chr1-15444737-A-T. GRCh37 (hg19) VCF-style: chr1-15771232-A-T.
Other names: short protein forms I209F.
Identifiers: ClinVar variation 1752479 (VCV001752479.4), dbSNP rs778850385, ClinGen allele CA338567541.

ClinVar aggregate classification (germline): Uncertain significance. Review status: criteria provided, multiple submitters, no conflicts (2 of 4 stars). 2 submissions from 2 submitters: Uncertain significance (2). Last evaluated 2024-04-16.

Conditions:
Hereditary pancreatitis (PCTT). Also called: Hereditary chronic pancreatitis; PRSS1-Related Hereditary Pancreatitis. Identifiers: Orphanet 676, MedGen C0238339, MONDO:0008185, OMIM 167800.

Submissions (2):

Labcorp Genetics (formerly Invitae), Labcorp
Classification: Uncertain significance for Hereditary pancreatitis. Last evaluated: 2024-04-16. Review status: criteria provided, single submitter. Criteria: Invitae Variant Classification Sherloc (09022015). Collection method: clinical testing. Allele origin: germline.
Comment: This sequence change replaces isoleucine, which is neutral and non-polar, with phenylalanine, which is neutral and non-polar, at codon 209 of the CTRC protein (p.Ile209Phe). This variant is not present in population databases (gnomAD no frequency). This variant has not been reported in the literature in individuals affected with CTRC-related conditions. ClinVar contains an entry for this variant (Variation ID: 1752479). Advanced modeling of protein sequence and biophysical properties (such as structural, functional, and spatial information, amino acid conservation, physicochemical variation, residue mobility, and thermodynamic stability) performed at Invitae indicates that this missense variant is not expected to disrupt CTRC protein function with a negative predictive value of 80%. In summary, the available evidence is currently insufficient to determine the role of this variant in disease. Therefore, it has been classified as a Variant of Uncertain Significance.

Ambry Genetics
Classification: Uncertain significance for Hereditary pancreatitis. Last evaluated: 2021-08-24. Review status: criteria provided, single submitter. Criteria: Ambry Variant Classification Scheme 2023. Collection method: clinical testing. Allele origin: germline.
Comment: The p.I209F variant (also known as c.625A>T), located in coding exon 6 of the CTRC gene, results from an A to T substitution at nucleotide position 625. The isoleucine at codon 209 is replaced by phenylalanine, an amino acid with highly similar properties. This amino acid position is conserved. In addition, this alteration is predicted to be tolerated by in silico analysis. Since supporting evidence is limited at this time, the clinical significance of this alteration remains unclear.